The following is an entry in ClinVar:

NM_019066.5(MAGEL2):c.2298_2299del (p.Ala767fs)

Gene: MAGEL2 (MAGE family member L2; minus strand). Cytogenetic location: 15q11.2.
Variant type: Deletion.
Coding change: c.2298_2299del on transcript NM_019066.5 (MANE Select); coding-DNA positions 2298 to 2299, 2 bases deleted (AG; older notation c.2298_2299delAG).
Protein change: p.Ala767fs; shifts the reading frame from alanine 767.
Molecular consequence: frameshift variant.
Genome position (GRCh38, 1-based): chr15:23,645,444-23,645,445, CT deleted on the plus strand (AG on the coding strand, the reverse complement: MAGEL2 is on the minus strand); deleting any 2 consecutive bases within chr15:23,645,444-23,645,446 gives the same sequence; the c. name uses the placement nearest the transcript's 3' end. VCF-style (leftmost placement, unchanged base first): chr15-23645443-GCT-G. GRCh37 (hg19) VCF-style: chr15-23890590-GCT-G.
Other names: c.2298_2299del (NM_019066.4); c.2298_2299delAG (NM_019066.4); short protein forms A767fs.
Identifiers: ClinVar variation 451831 (VCV000451831.4), dbSNP rs1432429004, ClinGen allele CA617084197.

ClinVar aggregate classification (germline): Likely pathogenic. Review status: criteria provided, multiple submitters, no conflicts (2 of 4 stars). 2 submissions from 2 submitters: Likely pathogenic (2). Last evaluated 2026-01-16.

Conditions:
MAGEL2-related disorder. Also called: MAGEL2-related condition.

Submissions (2):

PreventionGenetics, part of Exact Sciences
Classification: Likely pathogenic for MAGEL2-related condition. Last evaluated: 2026-01-16. Review status: criteria provided, single submitter. Criteria: ACMG Guidelines, 2015. Collection method: clinical testing. Allele origin: germline.
Comment: The MAGEL2 c.2298_2299delAG variant is predicted to result in a frameshift and premature protein termination (p.Ala767Thrfs*38). To our knowledge, this variant has not been reported in the literature. This variant is reported in 0.011% of alleles in individuals of African descent in gnomAD. Frameshift variants in MAGEL2 are expected to be pathogenic. This variant is interpreted as likely pathogenic.

GeneDx
Classification: Likely pathogenic. Last evaluated: 2024-08-14. Review status: criteria provided, single submitter. Criteria: GeneDx Variant Classification Process June 2021. Collection method: clinical testing. Allele origin: germline. Affected: yes.
Comment: Frameshift variant predicted to result in abnormal protein length as the last 483 amino acids are replaced with 37 different amino acids, and other similar variants have been reported in HGMD; Not observed at significant frequency in large population cohorts (gnomAD); Has not been previously published as pathogenic or benign to our knowledge